The following is an entry in ClinVar:

ClinVar aggregate classification (germline): Pathogenic (1 of 4 stars; one submission).

Conditions:
Hao-Fountain syndrome due to USP7 mutation. Also called: USP7-Related Hao Fountain Syndrome. Identifiers: Orphanet 643538, MedGen C5816734, MONDO:0958071, OMIM 616863.

Submission:

Variantyx, Inc.
Classification: Pathogenic for Hao-Fountain syndrome due to USP7 mutation. Last evaluated: 2025-09-30. Review status: criteria provided, single submitter. Criteria: Variantyx Assertion Criteria 2022. Collection method: clinical testing. Allele origin: de novo. Inheritance: Autosomal dominant inheritance. Affected: yes.
Comment: This is a nonsense variant in the USP7 gene (OMIM: 602519). Pathogenic variants in this gene have been associated with autosomal dominant Hao-Fountain syndrome. The alteration introduces a premature termination codon in exon 2 out of 31 and is expected to result in loss of function, which is a known disease mechanism for USP7 in this disorder (PMID: 30679821) (PVS1). This variant is absent from control populations (PM2, and it has not been reported in individuals with USP7-related disorders in the databases available for review. Based on the current evidence, this variant is classified as pathogenic for autosomal dominant Hao-Fountain syndrome.

Literature cited by the submitters: PubMed 30679821.

NM_003470.3(USP7):c.178G>T (p.Glu60Ter)

Gene: USP7 (ubiquitin specific peptidase 7; minus strand). Cytogenetic location: 16p13.2.
Variant type: single nucleotide variant.
Coding change: c.178G>T on transcript NM_003470.3 (MANE Select); coding-DNA position 178, G replaced by T.
Protein change: p.Glu60Ter; replaces glutamic acid 60 with a stop codon.
Molecular consequence: nonsense. On other transcripts: 5 prime UTR variant (1), non-coding transcript variant (1).
Genome position (GRCh38, 1-based): chr16:8,930,299, C>A on the plus strand (G>T on the coding strand, the complement: USP7 is on the minus strand). VCF-style: chr16-8930299-C-A. GRCh37 (hg19) VCF-style: chr16-9024156-C-A.
Other names: c.130G>T, p.Glu44Ter (NM_001286457.2); c.-295G>T (NM_001286458.2); c.4G>T, p.Glu2Ter (NM_001321858.2); short protein forms E2*, E44*, E60*.
Identifiers: ClinVar variation 4850032 (VCV004850032.1).